The following is an entry in ClinVar:

ClinVar aggregate classification (germline): Likely benign (1 of 4 stars; one submission).

Conditions:
Cystic fibrosis (CF). Also called: MUCOVISCIDOSIS. Identifiers: Orphanet 586, MedGen C0010674, MONDO:0009061, OMIM 219700. Disease mechanism: loss of function.

gnomAD v4.1: 4 of 152,264 alleles (0.0026%); highest among the groups gnomAD compares: Non-Finnish European, 0.0044%; no homozygotes.

Submission:

Johns Hopkins Genomics, Johns Hopkins University
Classification: Likely benign for Cystic fibrosis. Last evaluated: 2024-07-12. Review status: criteria provided, single submitter. Criteria: ACMG Guidelines, 2015. Collection method: clinical testing. Allele origin: germline.
Comment: PM2, PP4, BP4, BP7

NM_000492.4(CFTR):c.3964-1413C>T

Gene: CFTR (CF transmembrane conductance regulator; plus strand). Cytogenetic location: 7q31.2.
Variant type: single nucleotide variant.
Coding change: c.3964-1413C>T on transcript NM_000492.4 (MANE Select); 1413 bases into the intron before coding-DNA position 3964, C replaced by T.
Molecular consequence: intron variant.
Genome position (GRCh38, 1-based): chr7:117,663,275, C>T. VCF-style: chr7-117663275-C-T. GRCh37 (hg19) VCF-style: chr7-117303329-C-T.
Identifiers: ClinVar variation 4280049 (VCV004280049.1).